The following is an entry in ClinVar:

ClinVar aggregate classification (germline): Benign. Review status: criteria provided, multiple submitters, no conflicts (2 of 4 stars). 3 submissions from 3 submitters: Benign (2). 1 of the submissions does not count toward it. Last evaluated 2024-04-19.

Conditions:
KRT2-related disorder. Also called: KRT2-related condition.
Ichthyosis bullosa of Siemens (IBS). Also called: Superficial epidermolytic ichthyosis. Identifiers: Orphanet 455, MedGen C0432306, MONDO:0007813, OMIM 146800.

Allele frequency attached by ClinVar (database versions not stated): 1000 Genomes Project 30x 0.00016; TOPMed 0.00017; 1000 Genomes Project 0.00020; gnomAD 0.00025; ExAC 0.00027.
gnomAD v4.1: 111 of 1,614,012 alleles (0.0069%); highest among the groups gnomAD compares: East Asian, 0.14%; no homozygotes.

Submissions (3):

Labcorp Genetics (formerly Invitae), Labcorp
Classification: Benign. Last evaluated: 2024-04-19. Review status: criteria provided, single submitter. Criteria: Invitae Variant Classification Sherloc (09022015). Collection method: clinical testing. Allele origin: germline.

Illumina Laboratory Services, Illumina
Classification: Benign for Ichthyosis bullosa of Siemens. Last evaluated: 2018-01-13. Review status: criteria provided, single submitter. Criteria: ICSL Variant Classification Criteria 13 December 2019. Collection method: clinical testing. Allele origin: germline.
Comment: This variant was observed in the ICSL laboratory as part of a predisposition screen in an ostensibly healthy population. It had not been previously curated by ICSL or reported in the Human Gene Mutation Database (HGMD: prior to June 1st, 2018), and was therefore a candidate for classification through an automated scoring system. Utilizing variant allele frequency, disease prevalence and penetrance estimates, and inheritance mode, an automated score was calculated to assess if this variant is too frequent to cause the disease. Based on the score and internal cut-off values, a variant classified as benign is not then subjected to further curation. The score for this variant resulted in a classification of benign for this disease.

PreventionGenetics, part of Exact Sciences
Classification: Likely benign for KRT2-related condition. Last evaluated: 2019-05-28. Review status: no assertion criteria provided. Collection method: clinical testing. Allele origin: germline. Not counted in ClinVar's aggregate classification.
Comment: This variant is classified as likely benign based on ACMG/AMP sequence variant interpretation guidelines (Richards et al. 2015 PMID: 25741868, with internal and published modifications).

NM_000423.3(KRT2):c.1203C>T (p.Arg401=)

Gene: KRT2 (keratin 2; minus strand). Cytogenetic location: 12q13.13.
Variant type: single nucleotide variant.
Coding change: c.1203C>T on transcript NM_000423.3 (MANE Select); coding-DNA position 1203, C replaced by T.
Protein change: p.Arg401=; no amino-acid change (arginine 401 retained).
Molecular consequence: synonymous variant.
Genome position (GRCh38, 1-based): chr12:52,647,775, G>A on the plus strand (C>T on the coding strand, the complement: KRT2 is on the minus strand). VCF-style: chr12-52647775-G-A. GRCh37 (hg19) VCF-style: chr12-53041559-G-A.
Identifiers: ClinVar variation 309609 (VCV000309609.9), dbSNP rs375452938, ClinGen allele CA6585563.